The following is an entry in ClinVar:

NM_139343.3(BIN1):c.740G>A (p.Gly247Asp)

Gene: BIN1 (bridging integrator 1; minus strand). Cytogenetic location: 2q14.3.
Variant type: single nucleotide variant.
Coding change: c.740G>A on transcript NM_139343.3 (MANE Select); coding-DNA position 740, G replaced by A.
Protein change: p.Gly247Asp; replaces glycine 247 with aspartic acid.
Molecular consequence: missense variant.
Genome position (GRCh38, 1-based): chr2:127,063,605, C>T on the plus strand (G>A on the coding strand, the complement: BIN1 is on the minus strand). VCF-style: chr2-127063605-C-T. GRCh37 (hg19) VCF-style: chr2-127821181-C-T.
Other names: c.647G>A, p.Gly216Asp (NM_001320632.2, NM_001320641.2, NM_004305.4 and 6 more transcripts); c.740G>A, p.Gly247Asp (NM_001320633.2, NM_001320640.2, NM_139344.3 and 1 more transcripts); c.575G>A, p.Gly192Asp (NM_001320634.1); c.659G>A, p.Gly220Asp (NM_001320642.1); short protein forms G192D, G220D, G216D, G247D.
Identifiers: ClinVar variation 957722 (VCV000957722.9), dbSNP rs1684781364, ClinGen allele CA348381946.
Genomic context (GRCh38, chr2:127,063,605, plus strand): 5'-CCCTCAGAGGGGTCCCCATGGCCTACCTTGCTCATCTCCTTGTGGAAGTTTTCCTCCAGG[C>T]CCGCGATGCTCTGGAACGTGTTGACGTAGAAACCTACGCGGCTACAGAAGGGCGGAAGGA-3'
Protein context (NP_647593.1, residues 237-257): FYVNTFQSIA[Gly247Asp]LEENFHKEMS

ClinVar aggregate classification (germline): Uncertain significance (1 of 4 stars; one submission).

Conditions:
Myopathy, centronuclear, 2 (CNM2). Also called: MYOTUBULAR MYOPATHY, AUTOSOMAL RECESSIVE. Identifiers: Orphanet 169186, MedGen CN031787, MONDO:0009709, OMIM 255200.

Submission:

Labcorp Genetics (formerly Invitae), Labcorp
Classification: Uncertain significance for Myopathy, centronuclear, 2. Last evaluated: 2019-11-06. Review status: criteria provided, single submitter. Criteria: Invitae Variant Classification Sherloc (09022015). Collection method: clinical testing. Allele origin: germline.
Comment: This sequence change replaces glycine with aspartic acid at codon 247 of the BIN1 protein (p.Gly247Asp). The glycine residue is moderately conserved and there is a moderate physicochemical difference between glycine and aspartic acid. This variant is not present in population databases (ExAC no frequency). This variant has not been reported in the literature in individuals with BIN1-related conditions. Algorithms developed to predict the effect of missense changes on protein structure and function are either unavailable or do not agree on the potential impact of this missense change (SIFT: "Tolerated"; PolyPhen-2: "Probably Damaging"; Align-GVGD: "Class C0"). In summary, the available evidence is currently insufficient to determine the role of this variant in disease. Therefore, it has been classified as a Variant of Uncertain Significance.